The following is an entry in ClinVar:

ClinVar aggregate classification (germline): Uncertain significance. Review status: criteria provided, multiple submitters, no conflicts (2 of 4 stars). 5 submissions from 5 submitters: Uncertain significance (5). Last evaluated 2024-05-02.

Conditions:
Hypertrophic cardiomyopathy 1 (CMH1). Also called: Familial hypertrophic cardiomyopathy 1; MYH7-Related Familial Hypertrophic Cardiomyopathy. Identifiers: MedGen C3495498, MONDO:0008647, OMIM 192600.
Sick sinus syndrome 3, susceptibility to (SSS3). Identifiers: Orphanet 166282, MedGen C3279791, MONDO:0013568, OMIM 614090.
Dilated cardiomyopathy 1EE (CMD1EE). Identifiers: Orphanet 154, MedGen C2750466, MONDO:0013198, OMIM 613252.
Hypertrophic cardiomyopathy 14. Identifiers: MedGen C2750467, MONDO:0013197, OMIM 613251.
Atrial septal defect 3 (ASD3). Identifiers: Orphanet 1478, MedGen C3279790, MONDO:0013567, OMIM 614089.
Cardiovascular phenotype. Identifiers: MedGen CN230736.

Allele frequency attached by ClinVar (database versions not stated): gnomAD 0.00003 and 0.00005; TOPMed 0.00003; ExAC 0.00004; gnomAD exomes 0.00006; 1000 Genomes Project 0.00020; 1000 Genomes Project 30x 0.00031.

Submissions (5):

GeneDx
Classification: Uncertain significance. Last evaluated: 2024-05-02. Review status: criteria provided, single submitter. Criteria: GeneDx Variant Classification Process June 2021. Collection method: clinical testing. Allele origin: germline. Affected: yes.
Comment: Has not been previously published as pathogenic or benign to our knowledge; In silico analysis supports that this missense variant has a deleterious effect on protein structure/function

Ambry Genetics
Classification: Uncertain significance for Cardiovascular phenotype. Last evaluated: 2023-08-07. Review status: criteria provided, single submitter. Criteria: Ambry Variant Classification Scheme 2023. Collection method: clinical testing. Allele origin: germline.
Comment: The p.R800H variant (also known as c.2399G>A), located in coding exon 18 of the MYH6 gene, results from a G to A substitution at nucleotide position 2399. The arginine at codon 800 is replaced by histidine, an amino acid with highly similar properties. This amino acid position is highly conserved in available vertebrate species. In addition, this alteration is predicted to be deleterious by in silico analysis. Since supporting evidence is limited at this time, the clinical significance of this alteration remains unclear.

Labcorp Genetics (formerly Invitae), Labcorp
Classification: Uncertain significance for Hypertrophic cardiomyopathy 14. Last evaluated: 2022-07-05. Review status: criteria provided, single submitter. Criteria: Invitae Variant Classification Sherloc (09022015). Collection method: clinical testing. Allele origin: germline.
Comment: In summary, the available evidence is currently insufficient to determine the role of this variant in disease. Therefore, it has been classified as a Variant of Uncertain Significance. Algorithms developed to predict the effect of missense changes on protein structure and function are either unavailable or do not agree on the potential impact of this missense change (SIFT: "Deleterious"; PolyPhen-2: "Probably Damaging"; Align-GVGD: "Class C0"). ClinVar contains an entry for this variant (Variation ID: 971126). This variant has not been reported in the literature in individuals affected with MYH6-related conditions. This variant is present in population databases (rs535438755, gnomAD 0.02%). This sequence change replaces arginine, which is basic and polar, with histidine, which is basic and polar, at codon 800 of the MYH6 protein (p.Arg800His).

Department of Pathology and Laboratory Medicine, Sinai Health System
Classification: Uncertain significance for Hypertrophic cardiomyopathy 1; Hypertrophic cardiomyopathy 14; Dilated cardiomyopathy 1EE; Atrial septal defect 3; Sick sinus syndrome 3, susceptibility to. Last evaluated: 2021-12-13. Review status: criteria provided, single submitter. Criteria: ACMG Guidelines, 2015. Collection method: research. Allele origin: germline.

Fulgent Genetics
Classification: Uncertain significance for Hypertrophic cardiomyopathy 1; Hypertrophic cardiomyopathy 14; Dilated cardiomyopathy 1EE; Atrial septal defect 3; Sick sinus syndrome 3, susceptibility to. Last evaluated: 2021-10-12. Review status: criteria provided, single submitter. Criteria: ACMG Guidelines, 2015. Collection method: clinical testing. Allele origin: unknown.

NM_002471.4(MYH6):c.2399G>A (p.Arg800His)

Gene: MYH6 (myosin heavy chain 6; minus strand). Cytogenetic location: 14q11.2.
Variant type: single nucleotide variant.
Coding change: c.2399G>A on transcript NM_002471.4 (MANE Select); coding-DNA position 2399, G replaced by A.
Protein change: p.Arg800His; replaces arginine 800 with histidine.
Molecular consequence: missense variant.
Genome position (GRCh38, 1-based): chr14:23,396,314, C>T on the plus strand (G>A on the coding strand, the complement: MYH6 is on the minus strand). VCF-style: chr14-23396314-C-T. GRCh37 (hg19) VCF-style: chr14-23865523-C-T.
Other names: short protein forms R800H.
Identifiers: ClinVar variation 971126 (VCV000971126.16), dbSNP rs535438755, ClinGen allele CA7115479.
Genomic context (GRCh38, chr14:23,396,314, plus strand): 5'-GTGCATGCCTCCCTTTTCCTCCTGTCTCACCTGCGTTCCACTATCTTCTTGAACTCAATG[C>T]GCATGAGCTGGCCCCGGGCTTGGGCCTGCATGCGCGTGATGATGCGGCTCAGCCTCTCAT-3'
Protein context (NP_002462.2, residues 790-810): MQAQARGQLM[Arg800His]IEFKKIVERR